The following is an entry in ClinVar:

NM_003491.4(NAA10):c.*40A>G

Gene: NAA10 (N-alpha-acetyltransferase 10, NatA catalytic subunit; minus strand). Cytogenetic location: Xq28.
Variant type: single nucleotide variant.
Coding change: c.*40A>G on transcript NM_003491.4 (MANE Select); 40 bases downstream of the stop codon, A replaced by G.
Molecular consequence: 3 prime UTR variant.
Genome position (GRCh38, 1-based): chrX:153,929,947, T>C on the plus strand (A>G on the coding strand, the complement: NAA10 is on the minus strand). VCF-style: chrX-153929947-T-C. GRCh37 (hg19) VCF-style: chrX-153195400-T-C.
Other names: +40A-G, 3-PRIME UTR; c.*40A>G (NM_001256119.2, NM_001256120.2).
Identifiers: ClinVar variation 617458 (VCV000617458.8), dbSNP rs1342269961, ClinGen allele CA873286102.

ClinVar aggregate classification (germline): Conflicting classifications of pathogenicity. Review status: criteria provided, conflicting classifications (1 of 4 stars). 3 submissions from 3 submitters: Likely pathogenic (1); Uncertain significance (1). 1 of the submissions does not count toward it. Last evaluated 2024-01-02.

Conditions:
Microphthalmia, syndromic 1 (MCOPS1). Also called: ANOP1. Identifiers: Orphanet 568, Orphanet 85275, MedGen C0796016, MONDO:0010671, OMIM 309800.

Allele frequency attached by ClinVar (database versions not stated): TOPMed 0.00001.

Submissions (3):

GeneDx
Classification: Uncertain significance. Last evaluated: 2024-01-02. Review status: criteria provided, single submitter. Criteria: GeneDx Variant Classification Process June 2021. Collection method: clinical testing. Allele origin: germline. Affected: yes.
Comment: Reported in an individual with spina bifida and dysmorphic features in the published literature (PMID: 30842225); Not observed at significant frequency in large population cohorts (gnomAD); In silico analysis supports that this variant does not alter splicing; This variant is associated with the following publications: (PMID: 37606238, 35791118, 33149276, 30842225)

Biesecker Lab/Clinical Genomics Section, National Institutes of Health
Classification: Likely pathogenic for Microphthalmia, syndromic 1. Last evaluated: 2019-01-14. Review status: criteria provided, single submitter. Criteria: ACMG Guidelines, 2015. Collection method: research. Allele origin: germline. Inheritance: X-linked recessive inheritance. Affected: yes.

OMIM
Classification: Pathogenic for MICROPHTHALMIA, SYNDROMIC 1. Last evaluated: 2020-07-10. Review status: no assertion criteria provided. Collection method: literature only. Allele origin: germline. Not counted in ClinVar's aggregate classification.

Literature cited by the submitters: PubMed 30842225 (cited by OMIM).